The following is an entry in ClinVar:

NM_007294.4(BRCA1):c.945G>C (p.Arg315Ser)

Gene: BRCA1 (BRCA1 DNA repair associated; minus strand). Cytogenetic location: 17q21.31.
Variant type: single nucleotide variant.
Coding change: c.945G>C on transcript NM_007294.4 (MANE Select); coding-DNA position 945, G replaced by C.
Protein change: p.Arg315Ser; replaces arginine 315 with serine.
Molecular consequence: missense variant. On other transcripts: intron variant (137).
Genome position (GRCh38, 1-based): chr17:43,094,586, C>G on the plus strand (G>C on the coding strand, the complement: BRCA1 is on the minus strand). VCF-style: chr17-43094586-C-G. GRCh37 (hg19) VCF-style: chr17-41246603-C-G.
Other names: c.732G>C, p.Arg244Ser (NM_001407571.1, NM_001407853.1, NM_001407894.1 and 9 more transcripts); c.945G>C, p.Arg315Ser (NM_001407581.1, NM_001407582.1, NM_001407583.1 and 30 more transcripts); c.942G>C, p.Arg314Ser (NM_001407587.1, NM_001407590.1, NM_001407591.1 and 22 more transcripts); c.936G>C, p.Arg312Ser (NM_001407646.1, NM_001407647.1); c.822G>C, p.Arg274Ser (NM_001407648.1, NM_001407664.1, NM_001407665.1 and 19 more transcripts); c.819G>C, p.Arg273Ser (NM_001407649.1, NM_001407670.1, NM_001407671.1 and 11 more transcripts); c.867G>C, p.Arg289Ser (NM_001407653.1, NM_001407654.1, NM_001407655.1 and 4 more transcripts); c.864G>C, p.Arg288Ser (NM_001407659.1, NM_001407660.1, NM_001407661.1 and 1 more transcripts); and 40 more; short protein forms R268S, R315S, R19S, R204S, R227S, R274S, R289S, R187S.
Identifiers: ClinVar variation 647790 (VCV000647790.12), dbSNP rs1555592789, ClinGen allele CA10600179.

ClinVar aggregate classification (germline): Conflicting classifications of pathogenicity. Review status: criteria provided, conflicting classifications (1 of 4 stars). 2 submissions from 2 submitters: Uncertain significance (1); Likely benign (1). Last evaluated 2023-03-23.

Conditions:
Hereditary cancer-predisposing syndrome. Also called: Hereditary Cancer Syndrome; Tumor predisposition; Hereditary neoplastic syndrome; Neoplastic Syndromes, Hereditary. Identifiers: Orphanet 140162, MedGen C0027672, MeSH D009386, MONDO:0015356.
Hereditary breast ovarian cancer syndrome. Also called: Hereditary breast and ovarian cancer; Hereditary breast and ovarian cancer syndrome; BRCA1- and BRCA2-Associated Hereditary Breast and Ovarian Cancer; Hereditary breast and ovarian cancer syndrome (HBOC); Breast and ovarian cancer; Hereditary breast and/or ovarian cancer syndrome. Identifiers: Orphanet 145, MedGen C0677776, MeSH D061325, MONDO:0003582. Disease mechanism: loss of function.

Submissions (2):

University of Washington Department of Laboratory Medicine, University of Washington
Classification: Likely benign for Hereditary cancer-predisposing syndrome. Last evaluated: 2023-03-23. Review status: criteria provided, single submitter. Criteria: Dines et al. (Genet Med. 2020). Collection method: curation. Allele origin: germline.
Comment: Missense variant in a coldspot region where missense variants are very unlikely to be pathogenic (PMID:31911673).

BRCA1 coldspot (exon 11 using historical exon numbering). Reclassification based on statistical prior probability

Labcorp Genetics (formerly Invitae), Labcorp
Classification: Uncertain significance for Hereditary breast ovarian cancer syndrome. Last evaluated: 2018-12-25. Review status: criteria provided, single submitter. Criteria: Invitae Variant Classification Sherloc (09022015). Collection method: clinical testing. Allele origin: germline.
Comment: This sequence change replaces arginine with serine at codon 315 of the BRCA1 protein (p.Arg315Ser). The arginine residue is moderately conserved and there is a moderate physicochemical difference between arginine and serine. This variant is not present in population databases (ExAC no frequency). This variant has not been reported in the literature in individuals with BRCA1-related conditions. Algorithms developed to predict the effect of missense changes on protein structure and function (SIFT, PolyPhen-2, Align-GVGD) all suggest that this variant is likely to be tolerated, but these predictions have not been confirmed by published functional studies and their clinical significance is uncertain. In summary, the available evidence is currently insufficient to determine the role of this variant in disease. Therefore, it has been classified as a Variant of Uncertain Significance.